The following is an entry in ClinVar:

ClinVar aggregate classification (germline): Uncertain significance (1 of 4 stars; one submission).

Allele frequency attached by ClinVar (database versions not stated): gnomAD exomes below 0.00001; ExAC 0.00001.
gnomAD v4.1: 2 of 1,608,712 alleles (0.00012%); highest among the groups gnomAD compares: South Asian, 0.0022%; no homozygotes.

Submission:

Labcorp Genetics (formerly Invitae), Labcorp
Classification: Uncertain significance. Last evaluated: 2022-06-15. Review status: criteria provided, single submitter. Criteria: Invitae Variant Classification Sherloc (09022015). Collection method: clinical testing. Allele origin: germline.
Comment: This sequence change replaces serine, which is neutral and polar, with asparagine, which is neutral and polar, at codon 413 of the SLC12A6 protein (p.Ser413Asn). This variant is present in population databases (rs747365143, gnomAD 0.003%). This variant has not been reported in the literature in individuals affected with SLC12A6-related conditions. Advanced modeling of protein sequence and biophysical properties (such as structural, functional, and spatial information, amino acid conservation, physicochemical variation, residue mobility, and thermodynamic stability) performed at Invitae indicates that this missense variant is not expected to disrupt SLC12A6 protein function. In summary, the available evidence is currently insufficient to determine the role of this variant in disease. Therefore, it has been classified as a Variant of Uncertain Significance.

NM_001365088.1(SLC12A6):c.1238G>A (p.Ser413Asn)

Gene: SLC12A6 (solute carrier family 12 member 6; minus strand). Cytogenetic location: 15q14.
Variant type: single nucleotide variant.
Coding change: c.1238G>A on transcript NM_001365088.1 (MANE Select); coding-DNA position 1238, G replaced by A.
Protein change: p.Ser413Asn; replaces serine 413 with asparagine.
Molecular consequence: missense variant.
Genome position (GRCh38, 1-based): chr15:34,252,265, C>T on the plus strand (G>A on the coding strand, the complement: SLC12A6 is on the minus strand). VCF-style: chr15-34252265-C-T. GRCh37 (hg19) VCF-style: chr15-34544466-C-T.
Other names: c.1061G>A, p.Ser354Asn (NM_001042494.2, NM_001042495.2); c.1211G>A, p.Ser404Asn (NM_001042496.2); c.1193G>A, p.Ser398Asn (NM_001042497.2); c.1085G>A, p.Ser362Asn (NM_005135.2); c.1238G>A, p.Ser413Asn (NM_133647.2); short protein forms S354N, S413N, S398N, S362N, S404N.
Identifiers: ClinVar variation 1977340 (VCV001977340.2), dbSNP rs747365143, ClinGen allele CA7464352.
Genomic context (GRCh38, chr15:34,252,265, plus strand): 5'-TGGATTGAAGTGACGTTATTGTGAACAAAGTATTCATCACAGGTGGCATTGAAAAATTGA[C>T]TCGAGTTACAGAAGAATCCCCATAACTTTGATGGGACTGTCATGTTGTTAATTTCCTTGG-3'
Protein context (NP_001352017.1, residues 403-423): SKLWGFFCNS[Ser413Asn]QFFNATCDEY